The following is an entry in ClinVar:

NM_006269.2(RP1):c.2300del (p.Asn767fs)

Gene: RP1 (RP1 axonemal microtubule associated; plus strand). Cytogenetic location: 8q12.1.
Variant type: Deletion.
Coding change: c.2300del on transcript NM_006269.2 (MANE Select); coding-DNA position 2300, one base deleted (A; older notation c.2300delA).
Protein change: p.Asn767fs; shifts the reading frame from asparagine 767.
Molecular consequence: frameshift variant. On other transcripts: intron variant (1).
Genome position (GRCh38, 1-based): chr8:54,626,182, A deleted; the last of 4 consecutive A bases (chr8:54,626,179-54,626,182); deleting any one gives the same sequence. VCF-style (leftmost placement, unchanged base first): chr8-54626178-CA-C. GRCh37 (hg19) VCF-style: chr8-55538738-CA-C.
Other names: c.787+3894del (NM_001375654.1); short protein forms N767fs.
Identifiers: ClinVar variation 3717438 (VCV003717438.2).

ClinVar aggregate classification (germline): Pathogenic (1 of 4 stars; one submission).

Submission:

Labcorp Genetics (formerly Invitae), Labcorp
Classification: Pathogenic. Last evaluated: 2024-09-15. Review status: criteria provided, single submitter. Criteria: Invitae Variant Classification Sherloc (09022015). Collection method: clinical testing. Allele origin: germline.
Comment: This sequence change creates a premature translational stop signal (p.Asn767Ilefs*8) in the RP1 gene. While this is not anticipated to result in nonsense mediated decay, it is expected to disrupt the last 1390 amino acid(s) of the RP1 protein. This variant is not present in population databases (gnomAD no frequency). This variant has not been reported in the literature in individuals affected with RP1-related conditions. This variant disrupts the C-terminus of the RP1 protein. Many variants that disrupt this region have been reported in individuals with either autosomal dominant or autosomal recessive retinitis pigmentosa (PMID: 11527933, 19933189, 29425069, 30027431, 33681214). Therefore, variants that disrupt this region are expected to be disease-causing. For these reasons, this variant has been classified as Pathogenic.

Literature cited by the submitters: PubMed 11527933; PubMed 19933189; PubMed 29425069; PubMed 30027431; PubMed 33681214.